The following is an entry in ClinVar:

ClinVar aggregate classification (germline): Uncertain significance (1 of 4 stars; one submission).

Allele frequency attached by ClinVar (database versions not stated): gnomAD exomes below 0.00001.
gnomAD v4.1: 5 of 1,613,548 alleles (0.00031%); highest among the groups gnomAD compares: African/African-American, 0.0027%; no homozygotes.

Submission:

Labcorp Genetics (formerly Invitae), Labcorp
Classification: Uncertain significance. Last evaluated: 2025-04-30. Review status: criteria provided, single submitter. Criteria: Invitae Variant Classification Sherloc (09022015). Collection method: clinical testing. Allele origin: germline.
Comment: This sequence change replaces histidine, which is basic and polar, with tyrosine, which is neutral and polar, at codon 1506 of the DUOX2 protein (p.His1506Tyr). This variant is not present in population databases (gnomAD no frequency). This variant has not been reported in the literature in individuals affected with DUOX2-related conditions. ClinVar contains an entry for this variant (Variation ID: 1498706). An algorithm developed to predict the effect of missense changes on protein structure and function (PolyPhen-2) suggests that this variant is likely to be disruptive. In summary, the available evidence is currently insufficient to determine the role of this variant in disease. Therefore, it has been classified as a Variant of Uncertain Significance.

NM_001363711.2(DUOX2):c.4516C>T (p.His1506Tyr)

Gene: DUOX2 (dual oxidase 2; minus strand). Cytogenetic location: 15q21.1.
Variant type: single nucleotide variant.
Coding change: c.4516C>T on transcript NM_001363711.2 (MANE Select); coding-DNA position 4516, C replaced by T.
Protein change: p.His1506Tyr; replaces histidine 1506 with tyrosine.
Molecular consequence: missense variant.
Genome position (GRCh38, 1-based): chr15:45,094,571, G>A on the plus strand (C>T on the coding strand, the complement: DUOX2 is on the minus strand). VCF-style: chr15-45094571-G-A. GRCh37 (hg19) VCF-style: chr15-45386769-G-A.
Other names: c.4516C>T, p.His1506Tyr (NM_014080.5); short protein forms H1506Y.
Identifiers: ClinVar variation 1498706 (VCV001498706.8), dbSNP rs1388132948, ClinGen allele CA392249720.